The following is an entry in ClinVar:

NM_001429.4(EP300):c.5256T>C (p.Asn1752=)

Gene: EP300 (EP300 lysine acetyltransferase; plus strand). Cytogenetic location: 22q13.2.
Variant type: single nucleotide variant.
Coding change: c.5256T>C on transcript NM_001429.4 (MANE Select); coding-DNA position 5256, T replaced by C.
Protein change: p.Asn1752=; no amino-acid change (asparagine 1752 retained).
Molecular consequence: synonymous variant.
Genome position (GRCh38, 1-based): chr22:41,176,967, T>C. VCF-style: chr22-41176967-T-C. GRCh37 (hg19) VCF-style: chr22-41572971-T-C.
Other names: c.5178T>C, p.Asn1726= (NM_001362843.2).
Identifiers: ClinVar variation 4987402 (VCV004987402.1).

ClinVar aggregate classification (germline): Likely benign (1 of 4 stars; one submission).

Conditions:
EP300-related disorder. Also called: EP300-related condition; EP300-related disorders.

Submission:

PreventionGenetics, part of Exact Sciences
Classification: Likely benign for EP300-related condition. Last evaluated: 2026-05-01. Review status: criteria provided, single submitter. Criteria: ACMG Guidelines, 2015. Collection method: clinical testing. Allele origin: germline.
Comment: This variant is classified as likely benign based on ACMG/AMP sequence variant interpretation guidelines (Richards et al. 2015 PMID: 25741868, with internal and published modifications).